The following is an entry in ClinVar:

NM_144670.6(A2ML1):c.1538-13T>A

Gene: A2ML1 (alpha-2-macroglobulin like 1; plus strand). Cytogenetic location: 12p13.31.
Variant type: single nucleotide variant.
Coding change: c.1538-13T>A on transcript NM_144670.6 (MANE Select); 13 bases into the intron before coding-DNA position 1538, T replaced by A.
Molecular consequence: intron variant.
Genome position (GRCh38, 1-based): chr12:8,846,064, T>A. VCF-style: chr12-8846064-T-A. GRCh37 (hg19) VCF-style: chr12-8998660-T-A.
Other names: c.65-13T>A (NM_001282424.3).
Identifiers: ClinVar variation 997909 (VCV000997909.9), dbSNP rs765050311, ClinGen allele CA6435742.

ClinVar aggregate classification (germline): Benign/Likely benign. Review status: criteria provided, multiple submitters, no conflicts (2 of 4 stars). 3 submissions from 3 submitters: Benign (1); Likely benign (2). Last evaluated 2025-10-28.

Allele frequency attached by ClinVar (database versions not stated): gnomAD 0.00001; gnomAD exomes 0.00002 and 0.00008; ExAC 0.00003; TOPMed 0.00005.
gnomAD v4.1: 34 of 1,613,888 alleles (0.0021%); highest among the groups gnomAD compares: Admixed American, 0.043%; no homozygotes.

Submissions (3):

Labcorp Genetics (formerly Invitae), Labcorp
Classification: Likely benign. Last evaluated: 2025-10-28. Review status: criteria provided, single submitter. Criteria: Invitae Variant Classification Sherloc (09022015). Collection method: clinical testing. Allele origin: germline.

Women's Health and Genetics/Laboratory Corporation of America, LabCorp
Classification: Benign. Last evaluated: 2021-02-15. Review status: criteria provided, single submitter. Criteria: LabCorp Variant Classification Summary - May 2015. Collection method: clinical testing. Allele origin: germline.
Comment: Variant summary: A2ML1 c.1538-13T>A alters a non-conserved nucleotide located close to a canonical splice site and therefore could affect mRNA splicing, leading to a significantly altered protein sequence. 4/4 computational tools predict no significant impact on normal splicing. However, these predictions have yet to be confirmed by functional studies. The variant allele was found at a frequency of 8e-05 in 249460 control chromosomes, predominantly at a frequency of 0.00055 within the Latino subpopulation in the gnomAD database. The observed variant frequency within Latino control individuals in the gnomAD database is approximately 138 fold of the estimated maximal expected allele frequency for a pathogenic variant in A2ML1 causing Noonan Syndrome phenotype (4e-06), strongly suggesting that the variant is a benign polymorphism found primarily in populations of Latino origin. To our knowledge, no occurrence of c.1538-13T>A in individuals affected with Noonan Syndrome and no experimental evidence demonstrating its impact on protein function have been reported. No clinical diagnostic laboratories have submitted clinical-significance assessments for this variant to ClinVar after 2014. Based on the evidence outlined above, the variant was classified as benign.

Breakthrough Genomics
Classification: Likely benign. Review status: criteria provided, single submitter. Criteria: ACMG Guidelines, 2015. Collection method: not provided. Allele origin: germline. Inheritance: Autosomal dominant inheritance. Affected: yes.